The following is an entry in ClinVar:

ClinVar aggregate classification (germline): Benign/Likely benign. Review status: criteria provided, multiple submitters, no conflicts (2 of 4 stars). 5 submissions from 5 submitters: Benign (1); Likely benign (4). Last evaluated 2026-01-18.

Conditions:
Congenital myasthenic syndrome 8. Also called: MYASTHENIC SYNDROME, CONGENITAL, DUE TO AGRIN DEFICIENCY; Myasthenic syndrome, congenital, 8, with pre- and postsynaptic defects. Identifiers: Orphanet 590, MedGen C3808739, MONDO:0014052, OMIM 615120.

Allele frequency attached by ClinVar (database versions not stated): ESP Exome Variant Server 0.00197; gnomAD 0.00225; 1000 Genomes Project 0.00260; TOPMed 0.00292; 1000 Genomes Project 30x 0.00297.
gnomAD v4.1: 788 of 1,545,438 alleles (0.051%); highest among the groups gnomAD compares: African/African-American, 0.86%; 2 homozygotes.

Submissions (5):

Labcorp Genetics (formerly Invitae), Labcorp
Classification: Likely benign for Congenital myasthenic syndrome 8. Last evaluated: 2026-01-18. Review status: criteria provided, single submitter. Criteria: Invitae Variant Classification Sherloc (09022015). Collection method: clinical testing. Allele origin: germline.

CeGaT Center for Human Genetics Tuebingen
Classification: Likely benign. Last evaluated: 2025-03-01. Review status: criteria provided, single submitter. Criteria: CeGaT Center For Human Genetics Tuebingen Variant Classification Criteria Version 2. Collection method: clinical testing. Allele origin: germline. Affected: yes. Observed: 2 variant alleles.
Comment: AGRN: BP4, BP7

Athena Diagnostics
Classification: Benign. Last evaluated: 2018-03-27. Review status: criteria provided, single submitter. Criteria: Athena Diagnostics Criteria. Collection method: clinical testing. Allele origin: germline.

GeneDx
Classification: Likely benign. Last evaluated: 2017-01-10. Review status: criteria provided, single submitter. Criteria: GeneDx Variant Classification (06012015). Collection method: clinical testing. Allele origin: germline. Affected: yes.
Comment: This variant is considered likely benign or benign based on one or more of the following criteria: it is a conservative change, it occurs at a poorly conserved position in the protein, it is predicted to be benign by multiple in silico algorithms, and/or has population frequency not consistent with disease.

Breakthrough Genomics
Classification: Likely benign. Review status: criteria provided, single submitter. Criteria: ACMG Guidelines, 2015. Collection method: not provided. Allele origin: germline. Inheritance: Autosomal recessive inheritance. Affected: yes.

NM_198576.4(AGRN):c.4131C>T (p.Phe1377=)

Gene: AGRN (agrin; plus strand). Cytogenetic location: 1p36.33.
Variant type: single nucleotide variant.
Coding change: c.4131C>T on transcript NM_198576.4 (MANE Select); coding-DNA position 4131, C replaced by T.
Protein change: p.Phe1377=; no amino-acid change (phenylalanine 1377 retained).
Molecular consequence: synonymous variant.
Genome position (GRCh38, 1-based): chr1:1,048,892, C>T. VCF-style: chr1-1048892-C-T. GRCh37 (hg19) VCF-style: chr1-984272-C-T.
Other names: c.4131C>T (LRG_198t1); c.4131C>T, p.Phe1377= (NM_001305275.2); c.3816C>T, p.Phe1272= (NM_001364727.2).
Identifiers: ClinVar variation 392687 (VCV000392687.52), dbSNP rs368555478, ClinGen allele CA509331.